The following is an entry in ClinVar:

ClinVar aggregate classification (germline): Uncertain significance. Review status: criteria provided, multiple submitters, no conflicts (2 of 4 stars). 2 submissions from 2 submitters: Uncertain significance (2). Last evaluated 2021-08-07.

Conditions:
Dermatofibrosis lenticularis disseminata (BOS). Also called: DERMATOFIBROSIS LENTICULARIS DISSEMINATA WITH OSTEOPOIKILOSIS; DERMATOOSTEOPOIKILOSIS; OSTEOPATHIA CONDENSANS DISSEMINATA. Identifiers: Orphanet 1306, MedGen C0265514, MONDO:0008157, OMIM 166700.

Allele frequency attached by ClinVar (database versions not stated): gnomAD 0.00001; TOPMed 0.00002.
gnomAD v4.1: 2 of 1,585,940 alleles (0.00013%); highest among the groups gnomAD compares: African/African-American, 0.0027%; no homozygotes.

Submissions (2):

Labcorp Genetics (formerly Invitae), Labcorp
Classification: Uncertain significance. Last evaluated: 2021-08-07. Review status: criteria provided, single submitter. Criteria: Invitae Variant Classification Sherloc (09022015). Collection method: clinical testing. Allele origin: germline.
Comment: This sequence change replaces glycine with alanine at codon 29 of the LEMD3 protein (p.Gly29Ala). The glycine residue is moderately conserved and there is a small physicochemical difference between glycine and alanine. This variant is not present in population databases (ExAC no frequency). This variant has not been reported in the literature in individuals affected with LEMD3-related conditions. ClinVar contains an entry for this variant (Variation ID: 310218). Algorithms developed to predict the effect of missense changes on protein structure and function are either unavailable or do not agree on the potential impact of this missense change (SIFT: "Tolerated"; PolyPhen-2: "Probably Damaging"; Align-GVGD: "Class C0"). In summary, the available evidence is currently insufficient to determine the role of this variant in disease. Therefore, it has been classified as a Variant of Uncertain Significance.

Illumina Laboratory Services, Illumina
Classification: Uncertain significance for Dermatofibrosis lenticularis disseminata. Last evaluated: 2018-01-12. Review status: criteria provided, single submitter. Criteria: ICSL Variant Classification Criteria 13 December 2019. Collection method: clinical testing. Allele origin: germline.

NM_014319.5(LEMD3):c.86G>C (p.Gly29Ala)

Gene: LEMD3 (LEM domain containing 3; plus strand). Cytogenetic location: 12q14.3.
Variant type: single nucleotide variant.
Coding change: c.86G>C on transcript NM_014319.5 (MANE Select); coding-DNA position 86, G replaced by C.
Protein change: p.Gly29Ala; replaces glycine 29 with alanine.
Molecular consequence: missense variant.
Genome position (GRCh38, 1-based): chr12:65,169,682, G>C. VCF-style: chr12-65169682-G-C. GRCh37 (hg19) VCF-style: chr12-65563462-G-C.
Other names: c.86G>C, p.Gly29Ala (NM_001167614.2); short protein forms G29A.
Identifiers: ClinVar variation 310218 (VCV000310218.10), dbSNP rs886049773, ClinGen allele CA10633481.